The following is an entry in ClinVar:

ClinVar aggregate classification (germline): Uncertain significance. Review status: criteria provided, multiple submitters, no conflicts (2 of 4 stars). 2 submissions from 2 submitters: Uncertain significance (2). Last evaluated 2024-01-16.

Conditions:
Inborn genetic diseases. Identifiers: MedGen C0950123, MeSH D030342.

Allele frequency attached by ClinVar (database versions not stated): ExAC 0.00001; gnomAD 0.00001; gnomAD exomes 0.00001 and 0.00002; TOPMed 0.00001.
gnomAD v4.1: 28 of 1,613,826 alleles (0.0017%); highest among the groups gnomAD compares: Non-Finnish European, 0.002%; no homozygotes.

Submissions (2):

Ambry Genetics
Classification: Uncertain significance for Inborn genetic diseases. Last evaluated: 2024-01-16. Review status: criteria provided, single submitter. Criteria: Ambry Variant Classification Scheme 2023. Collection method: clinical testing. Allele origin: germline.

Labcorp Genetics (formerly Invitae), Labcorp
Classification: Uncertain significance. Last evaluated: 2020-03-11. Review status: criteria provided, single submitter. Criteria: Invitae Variant Classification Sherloc (09022015). Collection method: clinical testing. Allele origin: germline.
Comment: This sequence change replaces tyrosine with serine at codon 582 of the PLK4 protein (p.Tyr582Ser). The tyrosine residue is moderately conserved and there is a large physicochemical difference between tyrosine and serine. This variant is present in population databases (rs764293176, ExAC 0.001%). This variant has not been reported in the literature in individuals with PLK4-related conditions. Algorithms developed to predict the effect of missense changes on protein structure and function (SIFT, PolyPhen-2, Align-GVGD) all suggest that this variant is likely to be tolerated, but these predictions have not been confirmed by published functional studies and their clinical significance is uncertain. In summary, the available evidence is currently insufficient to determine the role of this variant in disease. Therefore, it has been classified as a Variant of Uncertain Significance.

NM_014264.5(PLK4):c.1745A>C (p.Tyr582Ser)

Gene: PLK4 (polo like kinase 4; plus strand). Cytogenetic location: 4q28.1.
Variant type: single nucleotide variant.
Coding change: c.1745A>C on transcript NM_014264.5 (MANE Select); coding-DNA position 1745, A replaced by C.
Protein change: p.Tyr582Ser; replaces tyrosine 582 with serine.
Molecular consequence: missense variant.
Genome position (GRCh38, 1-based): chr4:127,890,151, A>C. VCF-style: chr4-127890151-A-C. GRCh37 (hg19) VCF-style: chr4-128811306-A-C.
Other names: c.1649A>C, p.Tyr550Ser (NM_001190799.2); c.1622A>C, p.Tyr541Ser (NM_001190801.2); c.1745A>C (NM_014264.4); short protein forms Y541S, Y550S, Y582S.
Identifiers: ClinVar variation 1019164 (VCV001019164.6), dbSNP rs764293176, ClinGen allele CA3076834.